The following is an entry in ClinVar:

NM_005257.6(GATA6):c.433G>A (p.Glu145Lys)

Gene: GATA6 (GATA binding protein 6; plus strand). Cytogenetic location: 18q11.2.
Variant type: single nucleotide variant.
Coding change: c.433G>A on transcript NM_005257.6 (MANE Select); coding-DNA position 433, G replaced by A.
Protein change: p.Glu145Lys; replaces glutamic acid 145 with lysine.
Molecular consequence: missense variant.
Genome position (GRCh38, 1-based): chr18:22,171,577, G>A. VCF-style: chr18-22171577-G-A. GRCh37 (hg19) VCF-style: chr18-19751538-G-A.
Other names: short protein forms E145K.
Identifiers: ClinVar variation 850914 (VCV000850914.9), dbSNP rs1403238515, ClinGen allele CA401799651.

ClinVar aggregate classification (germline): Uncertain significance (1 of 4 stars; one submission).

Conditions:
Atrioventricular septal defect 5 (AVSD5). Identifiers: MedGen C3280939, MONDO:0013769, OMIM 614474.

Allele frequency attached by ClinVar (database versions not stated): gnomAD exomes below 0.00001.

Submission:

Labcorp Genetics (formerly Invitae), Labcorp
Classification: Uncertain significance for Atrioventricular septal defect 5. Last evaluated: 2022-08-16. Review status: criteria provided, single submitter. Criteria: Invitae Variant Classification Sherloc (09022015). Collection method: clinical testing. Allele origin: germline.
Comment: This sequence change replaces glutamic acid, which is acidic and polar, with lysine, which is basic and polar, at codon 145 of the GATA6 protein (p.Glu145Lys). In summary, the available evidence is currently insufficient to determine the role of this variant in disease. Therefore, it has been classified as a Variant of Uncertain Significance. Algorithms developed to predict the effect of missense changes on protein structure and function (SIFT, PolyPhen-2, Align-GVGD) all suggest that this variant is likely to be tolerated. ClinVar contains an entry for this variant (Variation ID: 850914). This variant has not been reported in the literature in individuals affected with GATA6-related conditions. This variant is present in population databases (no rsID available, gnomAD 0.006%).